The following is an entry in ClinVar:

ClinVar aggregate classification (germline): Uncertain significance. Review status: criteria provided, multiple submitters, no conflicts (2 of 4 stars). 2 submissions from 2 submitters: Uncertain significance (2). Last evaluated 2024-11-25.

Conditions:
Hereditary cancer-predisposing syndrome. Also called: Hereditary Cancer Syndrome; Hereditary neoplastic syndrome; Tumor predisposition; Neoplastic Syndromes, Hereditary. Identifiers: Orphanet 140162, MedGen C0027672, MeSH D009386, MONDO:0015356.
Neuroblastoma, susceptibility to, 3. Also called: ALK-Related Neuroblastic Tumor Susceptibility. Identifiers: Orphanet 635, MedGen C2751681, MONDO:0013083, OMIM 613014.

Submissions (2):

Ambry Genetics
Classification: Uncertain significance for Hereditary cancer-predisposing syndrome. Last evaluated: 2024-11-25. Review status: criteria provided, single submitter. Criteria: Ambry Variant Classification Scheme 2023. Collection method: clinical testing. Allele origin: germline.
Comment: The p.G221A variant (also known as c.662G>C), located in coding exon 1 of the ALK gene, results from a G to C substitution at nucleotide position 662. The glycine at codon 221 is replaced by alanine, an amino acid with similar properties. This amino acid position is conserved. In addition, this alteration is predicted to be tolerated by in silico analysis. Based on the available evidence, the clinical significance of this variant remains unclear.

Labcorp Genetics (formerly Invitae), Labcorp
Classification: Uncertain significance for Neuroblastoma, susceptibility to, 3. Last evaluated: 2023-02-20. Review status: criteria provided, single submitter. Criteria: Invitae Variant Classification Sherloc (09022015). Collection method: clinical testing. Allele origin: germline.
Comment: This sequence change replaces glycine, which is neutral and non-polar, with alanine, which is neutral and non-polar, at codon 221 of the ALK protein (p.Gly221Ala). In summary, the available evidence is currently insufficient to determine the role of this variant in disease. Therefore, it has been classified as a Variant of Uncertain Significance. An algorithm developed to predict the effect of missense changes on protein structure and function (PolyPhen-2) suggests that this variant is likely to be tolerated. This variant has not been reported in the literature in individuals affected with ALK-related conditions. This variant is not present in population databases (gnomAD no frequency).

NM_004304.5(ALK):c.662G>C (p.Gly221Ala)

Gene: ALK (ALK receptor tyrosine kinase; minus strand). Cytogenetic location: 2p23.1.
Variant type: single nucleotide variant.
Coding change: c.662G>C on transcript NM_004304.5 (MANE Select); coding-DNA position 662, G replaced by C.
Protein change: p.Gly221Ala; replaces glycine 221 with alanine.
Molecular consequence: missense variant.
Genome position (GRCh38, 1-based): chr2:29,919,998, C>G on the plus strand (G>C on the coding strand, the complement: ALK is on the minus strand). VCF-style: chr2-29919998-C-G. GRCh37 (hg19) VCF-style: chr2-30142864-C-G.
Other names: c.662G>C (NM_004304.4); short protein forms G221A.
Identifiers: ClinVar variation 2782979 (VCV002782979.4), dbSNP rs1667944325, ClinGen allele CA346589586.
Genomic context (GRCh38, chr2:29,919,998, plus strand): 5'-TATCAATGTGACTAAAAACACTAAATCCCGGCACACTCAGGCGGGAGCTGCTCACCAGTC[C>G]CGAAGATCTGGAAGAGAAGGCGGGGCTGGGAGGCGCGAATTGCCGCGGACAGCCTTCCCT-3'
Protein context (NP_004295.2, residues 211-231): SQPRLLFQIF[Gly221Ala]TGHSSLESPT